The following is an entry in ClinVar:

NM_000218.3(KCNQ1):c.1394-15619G>A

Genes: KCNQ1 (potassium voltage-gated channel subfamily Q member 1; plus strand), KCNQ1OT1 (KCNQ1 opposite strand/antisense transcript 1; minus strand). Cytogenetic location: 11p15.5.
Variant type: single nucleotide variant.
Coding change: c.1394-15619G>A on transcript NM_000218.3 (MANE Select); 15619 bases into the intron before coding-DNA position 1394, G replaced by A.
Molecular consequence: intron variant. On other transcripts: non-coding transcript variant (1).
Genome position (GRCh38, 1-based): chr11:2,646,342, G>A. VCF-style: chr11-2646342-G-A. GRCh37 (hg19) VCF-style: chr11-2667572-G-A.
Other names: c.1124-15619G>A (NM_001406837.1); c.1298-15619G>A (NM_001406836.1); c.854-15619G>A (NM_001406838.1); c.1013-15619G>A (NM_181798.2).
Identifiers: ClinVar variation 2641424 (VCV002641424.24), dbSNP rs553229687, ClinGen allele CA216158760.

ClinVar aggregate classification (germline): Likely benign (1 of 4 stars; one submission).

Allele frequency attached by ClinVar (database versions not stated): TOPMed 0.00037; gnomAD 0.00038; gnomAD exomes 0.00048.
gnomAD v4.1: 177 of 398,382 alleles (0.044%); highest among the groups gnomAD compares: Non-Finnish European, 0.067%; no homozygotes.

Submission:

CeGaT Center for Human Genetics Tuebingen
Classification: Likely benign. Last evaluated: 2026-07-01. Review status: criteria provided, single submitter. Criteria: CeGaT Center For Human Genetics Tuebingen Variant Classification Criteria Version 2. Collection method: clinical testing. Allele origin: germline. Affected: yes. Observed: 5 variant alleles.
Comment: KCNQ1OT1: BS2